The following is an entry in ClinVar:

NM_001291303.3(FAT4):c.3408G>T (p.Arg1136Ser)

Gene: FAT4 (FAT atypical cadherin 4; plus strand). Cytogenetic location: 4q28.1.
Variant type: single nucleotide variant.
Coding change: c.3408G>T on transcript NM_001291303.3 (MANE Select); coding-DNA position 3408, G replaced by T.
Protein change: p.Arg1136Ser; replaces arginine 1136 with serine.
Molecular consequence: missense variant.
Genome position (GRCh38, 1-based): chr4:125,319,819, G>T. VCF-style: chr4-125319819-G-T. GRCh37 (hg19) VCF-style: chr4-126240974-G-T.
Other names: c.3408G>T (NM_024582.5); c.3408G>T, p.Arg1136Ser (NM_001291285.3, NM_024582.6); short protein forms R1136S.
Identifiers: ClinVar variation 2909294 (VCV002909294.3), dbSNP rs763110095, ClinGen allele CA358123910.

ClinVar aggregate classification (germline): Uncertain significance. Review status: criteria provided, multiple submitters, no conflicts (2 of 4 stars). 2 submissions from 2 submitters: Uncertain significance (2). Last evaluated 2025-08-18.

Conditions:
Hennekam lymphangiectasia-lymphedema syndrome 2 (HKLLS2). Identifiers: Orphanet 2136, MedGen C4014939, MONDO:0014454, OMIM 616006.
Van Maldergem syndrome 2 (VMLDS2). Identifiers: Orphanet 314679, MedGen C3809875, MONDO:0014242, OMIM 615546.

gnomAD v4.1: 1 of 1,614,188 alleles (0.000062%); highest among the groups gnomAD compares: South Asian, 0.0011%; no homozygotes.

Submissions (2):

Labcorp Genetics (formerly Invitae), Labcorp
Classification: Uncertain significance. Last evaluated: 2025-08-18. Review status: criteria provided, single submitter. Criteria: Invitae Variant Classification Sherloc (09022015). Collection method: clinical testing. Allele origin: germline.
Comment: This sequence change replaces arginine, which is basic and polar, with serine, which is neutral and polar, at codon 1136 of the FAT4 protein (p.Arg1136Ser). This variant is not present in population databases (gnomAD no frequency). This variant has not been reported in the literature in individuals affected with FAT4-related conditions. ClinVar contains an entry for this variant (Variation ID: 2909294). Invitae Evidence Modeling of protein sequence and biophysical properties (such as structural, functional, and spatial information, amino acid conservation, physicochemical variation, residue mobility, and thermodynamic stability) indicates that this missense variant is not expected to disrupt FAT4 protein function with a negative predictive value of 80%. In summary, the available evidence is currently insufficient to determine the role of this variant in disease. Therefore, it has been classified as a Variant of Uncertain Significance.

Fulgent Genetics
Classification: Uncertain significance for Van Maldergem syndrome 2; Hennekam lymphangiectasia-lymphedema syndrome 2. Last evaluated: 2024-05-27. Review status: criteria provided, single submitter. Criteria: ACMG Guidelines, 2015. Collection method: clinical testing. Allele origin: germline.